The following is an entry in ClinVar:

ClinVar aggregate classification (germline): Uncertain significance (1 of 4 stars; one submission).

gnomAD v4.1: 1 of 1,606,092 alleles (0.000062%); highest among the groups gnomAD compares: Non-Finnish European, 0.000085%; no homozygotes.

Submission:

GeneDx
Classification: Uncertain significance. Last evaluated: 2023-06-21. Review status: criteria provided, single submitter. Criteria: GeneDx Variant Classification Process June 2021. Collection method: clinical testing. Allele origin: germline. Affected: yes.
Comment: Not observed at significant frequency in large population cohorts (gnomAD); In silico analysis supports that this missense variant has a deleterious effect on protein structure/function; Has not been previously published as pathogenic or benign to our knowledge

NM_001162501.2(TNRC6B):c.3037G>A (p.Glu1013Lys)

Gene: TNRC6B (trinucleotide repeat containing adaptor 6B; plus strand). Cytogenetic location: 22q13.1.
Variant type: single nucleotide variant.
Coding change: c.3037G>A on transcript NM_001162501.2 (MANE Select); coding-DNA position 3037, G replaced by A.
Protein change: p.Glu1013Lys; replaces glutamic acid 1013 with lysine.
Molecular consequence: missense variant.
Genome position (GRCh38, 1-based): chr22:40,273,496, G>A. VCF-style: chr22-40273496-G-A. GRCh37 (hg19) VCF-style: chr22-40669500-G-A.
Other names: c.796G>A, p.Glu266Lys (NM_001024843.2); c.2878G>A, p.Glu960Lys (NM_015088.3); short protein forms E1013K, E266K, E960K.
Identifiers: ClinVar variation 3360143 (VCV003360143.1).
Genomic context (GRCh38, chr22:40,273,496, plus strand): 5'-ATGCAAGACGGCTGGGGGGAGAGTGACGGGCCAGTCACAGGAGCTCGCCATCCCAGCTGG[G>A]AAGAGGAGGAGGATGGAGGAGTCTGGAACACCACTGGCTCTCAGGGCAGTGCTTCCTCCC-3'
Protein context (NP_001155973.1, residues 1003-1023): PVTGARHPSW[Glu1013Lys]EEEDGGVWNT